The following is an entry in ClinVar:

NM_000059.4(BRCA2):c.8338G>C (p.Ala2780Pro)

Gene: BRCA2 (BRCA2 DNA repair associated; plus strand). Cytogenetic location: 13q13.1.
Variant type: single nucleotide variant.
Coding change: c.8338G>C on transcript NM_000059.4 (MANE Select); coding-DNA position 8338, G replaced by C.
Protein change: p.Ala2780Pro; replaces alanine 2780 with proline.
Molecular consequence: missense variant. On other transcripts: non-coding transcript variant (1).
Genome position (GRCh38, 1-based): chr13:32,370,408, G>C. VCF-style: chr13-32370408-G-C. GRCh37 (hg19) VCF-style: chr13-32944545-G-C.
Other names: c.8242G>C, p.Ala2748Pro (NM_001406719.1); c.8338G>C, p.Ala2780Pro (NM_001406720.1); c.3406G>C, p.Ala1136Pro (NM_001406721.1); c.1921G>C, p.Ala641Pro (NM_001406722.1); short protein forms A2780P, A641P, A1136P, A2748P.
Identifiers: ClinVar variation 3261565 (VCV003261565.1).
Genomic context (GRCh38, chr13:32,370,408, plus strand): 5'-TAGAATTGAATACATATTTAACTACTAAATCAATATATTTATTAATTTGTCCAGATTTCT[G>C]CTAACAGTACTCGGCCTGCTCGCTGGTATACCAAACTTGGATTCTTTCCTGACCCTAGAC-3'
Protein context (NP_000050.3, residues 2770-2790): APESLMLKIS[Ala2780Pro]NSTRPARWYT

ClinVar aggregate classification (germline): Uncertain significance (1 of 4 stars; one submission).

Conditions:
Hereditary cancer-predisposing syndrome. Also called: Hereditary Cancer Syndrome; Tumor predisposition; Hereditary neoplastic syndrome; Neoplastic Syndromes, Hereditary. Identifiers: Orphanet 140162, MedGen C0027672, MeSH D009386, MONDO:0015356.

Submission:

Ambry Genetics
Classification: Uncertain significance for Hereditary cancer-predisposing syndrome. Last evaluated: 2024-03-19. Review status: criteria provided, single submitter. Criteria: Ambry Variant Classification Scheme 2023. Collection method: clinical testing. Allele origin: germline.
Comment: The p.A2780P variant (also known as c.8338G>C), located in coding exon 18 of the BRCA2 gene, results from a G to C substitution at nucleotide position 8338. The alanine at codon 2780 is replaced by proline, an amino acid with highly similar properties. This amino acid position is conserved. In addition, this alteration is predicted to be deleterious by in silico analysis. Based on the available evidence, the clinical significance of this alteration remains unclear.